The following is an entry in ClinVar:

ClinVar aggregate classification (germline): Uncertain significance (1 of 4 stars; one submission).

Submission:

GeneDx
Classification: Uncertain significance. Last evaluated: 2019-10-21. Review status: criteria provided, single submitter. Criteria: GeneDx Variant Classification Process June 2021. Collection method: clinical testing. Allele origin: germline. Affected: yes.
Comment: Not observed in large population cohorts (Lek et al., 2016); In silico analysis, which includes splice predictors and evolutionary conservation, supports a deleterious effect; Has not been previously published as pathogenic or benign to our knowledge

NM_001330574.2(ZNF711):c.622+4A>T

Gene: ZNF711 (zinc finger protein 711; plus strand). Cytogenetic location: Xq21.1.
Variant type: single nucleotide variant.
Coding change: c.622+4A>T on transcript NM_001330574.2 (MANE Select); 4 bases into the intron after coding-DNA position 622, A replaced by T.
Molecular consequence: intron variant.
Genome position (GRCh38, 1-based): chrX:85,255,805, A>T. VCF-style: chrX-85255805-A-T. GRCh37 (hg19) VCF-style: chrX-84510811-A-T.
Other names: c.622+4A>T (NM_001375433.1, NM_001375435.1, NM_001375436.1 and 5 more transcripts).
Identifiers: ClinVar variation 1309167 (VCV001309167.2), dbSNP rs2147820982, ClinGen allele CA2573055413.
Genomic context (GRCh38, chrX:85,255,805, plus strand): 5'-AAGATGATGATGATGATGATGTCAAGAGCACTTCTGAAGACTACTTAATGATATCTTGTA[A>T]GTGAAACATAAAGCCCATAATTACTCAGGAGATTGATTTATATAATCTGGAAAAGTTTTC-3'